The following is an entry in ClinVar:

NM_032861.4(SERAC1):c.698_699delinsAGTGATA (p.Leu233Ter)

Gene: SERAC1 (serine active site containing 1; minus strand). Cytogenetic location: 6q25.3.
Variant type: Indel.
Coding change: c.698_699delinsAGTGATA on transcript NM_032861.4 (MANE Select); coding-DNA positions 698 to 699, TG replaced by AGTGATA.
Protein change: p.Leu233Ter; replaces leucine 233 with a stop codon.
Molecular consequence: nonsense. On other transcripts: non-coding transcript variant (1).
Genome position (GRCh38, 1-based): chr6:158,143,095-158,143,096, CA replaced by TATCACT on the plus strand (TG replaced by AGTGATA on the coding strand, the reverse complement: SERAC1 is on the minus strand). VCF-style: chr6-158143095-CA-TATCACT. GRCh37 (hg19) VCF-style: chr6-158564127-CA-TATCACT.
Other names: short protein forms L233*.
Identifiers: ClinVar variation 2759584 (VCV002759584.3), dbSNP rs2483563364, ClinGen allele CA2695207387.
Genomic context (GRCh38, chr6:158,143,095, plus strand): 5'-TGAATGAATACATGAACTAACCTTCTGAGCAGCTAGACTCTGACTGCTTTCACTAAGAGC[CA>TATCACT]AAGATGTAAAATACTGGATACACTCATCTAGCTCTGTTTGAGGTAAGGAAGCCAGCAACT-3'

ClinVar aggregate classification (germline): Pathogenic (1 of 4 stars; one submission).

Conditions:
3-methylglutaconic aciduria with deafness, encephalopathy, and Leigh-like syndrome (MEGDEL). Also called: SERAC1 Deficiency; MEGDEL syndrome; 3-METHYLGLUTACONIC ACIDURIA, TYPE VI. Identifiers: Orphanet 352328, MedGen C4040739, MONDO:0013875, OMIM 614739.

Submission:

Labcorp Genetics (formerly Invitae), Labcorp
Classification: Pathogenic for 3-methylglutaconic aciduria with deafness, encephalopathy, and Leigh-like syndrome. Last evaluated: 2023-09-12. Review status: criteria provided, single submitter. Criteria: Invitae Variant Classification Sherloc (09022015). Collection method: clinical testing. Allele origin: germline.
Comment: For these reasons, this variant has been classified as Pathogenic. This variant is also known as c.698-9TG>AGTGATA. This premature translational stop signal has been observed in individual(s) with 3-methylglutaconic aciduria with deafness, encephalopathy, and Leigh-Like (MEGDEL) syndrome (PMID: 23918762). Information on the frequency of this variant in the gnomAD database is not available, as this variant may be reported differently in the database. This sequence change creates a premature translational stop signal (p.Leu233*) in the SERAC1 gene. It is expected to result in an absent or disrupted protein product. Loss-of-function variants in SERAC1 are known to be pathogenic (PMID: 22683713).

Literature cited by the submitters: PubMed 23918762; PubMed 22683713.